The following is an entry in ClinVar:

ClinVar aggregate classification (germline): Pathogenic (1 of 4 stars; one submission).

Submission:

GeneDx
Classification: Pathogenic. Last evaluated: 2019-12-13. Review status: criteria provided, single submitter. Criteria: GeneDx Variant Classification Process June 2021. Collection method: clinical testing. Allele origin: germline. Affected: yes.
Comment: Canonical splice site variant in a gene for which loss-of-function is a known mechanism of disease; Not observed in large population cohorts (Lek et al., 2016); Has not been previously published as pathogenic or benign to our knowledge

NM_001372044.2(SHANK3):c.2087-2_2093del

Gene: SHANK3 (SH3 and multiple ankyrin repeat domains 3; plus strand). Cytogenetic location: 22q13.33.
Variant type: Deletion.
Coding change: c.2087-2_2093del on transcript NM_001372044.2 (MANE Select); the canonical splice acceptor site of the intron before coding-DNA position 2087 through coding-DNA position 2093, 9 bases deleted (AGGTGAACG; older notation c.2087-2_2093delAGGTGAACG).
Molecular consequence: splice acceptor variant.
Genome position (GRCh38, 1-based): chr22:50,704,962-50,704,970, AGGTGAACG deleted. VCF-style (leftmost placement, unchanged base first): chr22-50704961-CAGGTGAACG-C. GRCh37 (hg19) VCF-style: chr22-51143389-CAGGTGAACG-C.
Identifiers: ClinVar variation 1189324 (VCV001189324.2), dbSNP rs2146808453, ClinGen allele CA2499226243.